The following is an entry in ClinVar:

NM_001033046.4(CYBC1):c.509C>T (p.Thr170Ile)

Gene: CYBC1 (cytochrome b-245 chaperone 1; minus strand). Cytogenetic location: 17q25.3.
Variant type: single nucleotide variant.
Coding change: c.509C>T on transcript NM_001033046.4 (MANE Select); coding-DNA position 509, C replaced by T.
Protein change: p.Thr170Ile; replaces threonine 170 with isoleucine.
Molecular consequence: missense variant. On other transcripts: non-coding transcript variant (4).
Genome position (GRCh38, 1-based): chr17:82,444,059, G>A on the plus strand (C>T on the coding strand, the complement: CYBC1 is on the minus strand). VCF-style: chr17-82444059-G-A. GRCh37 (hg19) VCF-style: chr17-80401935-G-A.
Other names: c.509C>T, p.Thr170Ile (NM_001100407.3, NM_001193653.2, NM_001193654.2 and 2 more transcripts); c.467C>T, p.Thr156Ile (NM_001100408.3); short protein forms T156I, T170I.
Identifiers: ClinVar variation 1682691 (VCV001682691.6), dbSNP rs371694408, ClinGen allele CA401608044.
Genomic context (GRCh38, chr17:82,444,059, plus strand): 5'-GGCTGTCAGCTCTGGCTTGCAGGGTCACCGGCCTCACTGTCGCTGCTCTGAGACAGCTCT[G>A]TGGGGCTCTCAAGGCAGTGCAGCTCCAGGAAGCTGGTGATGAGCTTGGCGATGGCTTCCA-3'
Protein context (NP_001028218.1, residues 160-180): FLELHCLESP[Thr170Ile]ELSQSSDSEA

ClinVar aggregate classification (germline): Uncertain significance (1 of 4 stars; one submission).

Allele frequency attached by ClinVar (database versions not stated): gnomAD exomes below 0.00001.
gnomAD v4.1: 1 of 1,613,664 alleles (0.000062%); highest among the groups gnomAD compares: East Asian, 0.0022%; no homozygotes.

Submission:

Labcorp Genetics (formerly Invitae), Labcorp
Classification: Uncertain significance. Last evaluated: 2022-07-12. Review status: criteria provided, single submitter. Criteria: Invitae Variant Classification Sherloc (09022015). Collection method: clinical testing. Allele origin: germline.
Comment: This variant has not been reported in the literature in individuals affected with C17orf62-related conditions. This sequence change replaces threonine, which is neutral and polar, with isoleucine, which is neutral and non-polar, at codon 170 of the C17orf62 protein (p.Thr170Ile). This variant is present in population databases (no rsID available, gnomAD 0.006%). ClinVar contains an entry for this variant (Variation ID: 1682691). Algorithms developed to predict the effect of missense changes on protein structure and function (SIFT, PolyPhen-2, Align-GVGD) all suggest that this variant is likely to be tolerated. In summary, the available evidence is currently insufficient to determine the role of this variant in disease. Therefore, it has been classified as a Variant of Uncertain Significance.